The following is an entry in ClinVar:

ClinVar aggregate classification (germline): Conflicting classifications of pathogenicity. Review status: criteria provided, conflicting classifications (1 of 4 stars). 3 submissions from 3 submitters: Uncertain significance (2); Likely benign (1). Last evaluated 2025-12-09.

Conditions:
T-cell immunodeficiency, congenital alopecia, and nail dystrophy. Also called: Congenital alopecia and nail dystrophy associated with severe functional T-cell immunodeficiency; Pignata Guarino syndrome. Identifiers: Orphanet 169095, MedGen C1866426, MONDO:0011132, OMIM 601705.
Inborn genetic diseases. Identifiers: MedGen C0950123, MeSH D030342.

gnomAD v4.1: 149 of 1,613,648 alleles (0.0092%); highest among the groups gnomAD compares: Non-Finnish European, 0.012%; 1 homozygote.

Submissions (3):

Labcorp Genetics (formerly Invitae), Labcorp
Classification: Uncertain significance for T-cell immunodeficiency, congenital alopecia, and nail dystrophy. Last evaluated: 2025-12-09. Review status: criteria provided, single submitter. Criteria: Invitae Variant Classification Sherloc (09022015). Collection method: clinical testing. Allele origin: germline.
Comment: This sequence change replaces aspartic acid, which is acidic and polar, with glutamic acid, which is acidic and polar, at codon 54 of the FOXN1 protein (p.Asp54Glu). This variant is present in population databases (rs200786966, gnomAD 0.005%), including at least one homozygous and/or hemizygous individual. This variant has not been reported in the literature in individuals affected with FOXN1-related conditions. ClinVar contains an entry for this variant (Variation ID: 2917956). Invitae Evidence Modeling of protein sequence and biophysical properties (such as structural, functional, and spatial information, amino acid conservation, physicochemical variation, residue mobility, and thermodynamic stability) indicates that this missense variant is not expected to disrupt FOXN1 protein function with a negative predictive value of 80%. In summary, the available evidence is currently insufficient to determine the role of this variant in disease. Therefore, it has been classified as a Variant of Uncertain Significance.

Ambry Genetics
Classification: Uncertain significance for Inborn genetic diseases. Last evaluated: 2025-11-26. Review status: criteria provided, single submitter. Criteria: Ambry Variant Classification Scheme 2023. Collection method: clinical testing. Allele origin: germline.

Blueprint Genetics
Classification: Likely benign. Last evaluated: 2022-03-04. Review status: criteria provided, single submitter. Criteria: ACMG Guidelines, 2015. Collection method: clinical testing. Allele origin: germline.

NM_001369369.1(FOXN1):c.162C>A (p.Asp54Glu)

Gene: FOXN1 (forkhead box N1; plus strand). Cytogenetic location: 17q11.2.
Variant type: single nucleotide variant.
Coding change: c.162C>A on transcript NM_001369369.1 (MANE Select); coding-DNA position 162, C replaced by A.
Protein change: p.Asp54Glu; replaces aspartic acid 54 with glutamic acid.
Molecular consequence: missense variant.
Genome position (GRCh38, 1-based): chr17:28,524,541, C>A. VCF-style: chr17-28524541-C-A. GRCh37 (hg19) VCF-style: chr17-26851559-C-A.
Other names: c.162C>A, p.Asp54Glu (NM_003593.3); short protein forms D54E.
Identifiers: ClinVar variation 2917956 (VCV002917956.5), dbSNP rs200786966, ClinGen allele CA8459165.